The following is an entry in ClinVar:

ClinVar aggregate classification (germline): Likely benign (1 of 4 stars; one submission).

gnomAD v4.1: 20 of 1,589,462 alleles (0.0013%); highest among the groups gnomAD compares: Non-Finnish European, 0.0017%; no homozygotes.

Submission:

CeGaT Center for Human Genetics Tuebingen
Classification: Likely benign. Last evaluated: 2025-04-01. Review status: criteria provided, single submitter. Criteria: CeGaT Center For Human Genetics Tuebingen Variant Classification Criteria Version 2. Collection method: clinical testing. Allele origin: germline. Affected: yes. Observed: 1 variant allele.
Comment: MUC17: BP4, BP7

NM_001040105.2(MUC17):c.12399A>G (p.Thr4133=)

Gene: MUC17 (mucin 17, cell surface associated; plus strand). Cytogenetic location: 7q22.1.
Variant type: single nucleotide variant.
Coding change: c.12399A>G on transcript NM_001040105.2 (MANE Select); coding-DNA position 12399, A replaced by G.
Protein change: p.Thr4133=; no amino-acid change (threonine 4133 retained).
Molecular consequence: synonymous variant. On other transcripts: non-coding transcript variant (1).
Genome position (GRCh38, 1-based): chr7:101,043,815, A>G. VCF-style: chr7-101043815-A-G. GRCh37 (hg19) VCF-style: chr7-100687096-A-G.
Identifiers: ClinVar variation 3905665 (VCV003905665.10).
Genomic context (GRCh38, chr7:101,043,815, plus strand): 5'-CCCCACGAATACTACAATTAAGAGCAACCCCACCTCAACTCCTACTGTGCCAAGAACCAC[A>G]ACATGTAAGTGATTTCTTGAATTTTCCTTTTTTTTAAAATTATACTGTAAGTTCTAGGGT-3'
Protein context (NP_001035194.1, residues 4123-4143): PTSTPTVPRT[Thr4133=]TCFGDGCQNT